The following is an entry in ClinVar:

NM_006015.6(ARID1A):c.1247G>T (p.Gly416Val)

Gene: ARID1A (AT-rich interaction domain 1A; plus strand). Cytogenetic location: 1p36.11.
Variant type: single nucleotide variant.
Coding change: c.1247G>T on transcript NM_006015.6 (MANE Select); coding-DNA position 1247, G replaced by T.
Protein change: p.Gly416Val; replaces glycine 416 with valine.
Molecular consequence: missense variant.
Genome position (GRCh38, 1-based): chr1:26,729,760, G>T. VCF-style: chr1-26729760-G-T. GRCh37 (hg19) VCF-style: chr1-27056251-G-T.
Other names: c.1247G>T, p.Gly416Val (NM_139135.4); short protein forms G416V.
Identifiers: ClinVar variation 1800716 (VCV001800716.1), dbSNP rs2080655029, ClinGen allele CA339267634.

ClinVar aggregate classification (germline): Uncertain significance (1 of 4 stars; one submission).

Submission:

GeneDx
Classification: Uncertain significance. Last evaluated: 2022-05-16. Review status: criteria provided, single submitter. Criteria: GeneDx Variant Classification Process June 2021. Collection method: clinical testing. Allele origin: germline. Affected: yes.
Comment: Not observed at significant frequency in large population cohorts (gnomAD); In silico analysis supports that this missense variant has a deleterious effect on protein structure/function; Has not been previously published as pathogenic or benign to our knowledge